The following is an entry in ClinVar:

NM_000179.3(MSH6):c.3561A>G (p.Glu1187=)

Gene: MSH6 (mutS homolog 6; plus strand). Cytogenetic location: 2p16.3.
Variant type: single nucleotide variant.
Coding change: c.3561A>G on transcript NM_000179.3 (MANE Select); coding-DNA position 3561, A replaced by G.
Protein change: p.Glu1187=; no amino-acid change (glutamic acid 1187 retained).
Molecular consequence: synonymous variant.
Genome position (GRCh38, 1-based): chr2:47,805,622, A>G. VCF-style: chr2-47805622-A-G. GRCh37 (hg19) VCF-style: chr2-48032761-A-G.
Other names: c.3171A>G, p.Glu1057= (NM_001281492.2); c.2655A>G, p.Glu885= (NM_001281493.2, NM_001281494.2).
Identifiers: ClinVar variation 486909 (VCV000486909.6), dbSNP rs1553332629, ClinGen allele CA425997261.

ClinVar aggregate classification (germline): Benign/Likely benign. Review status: criteria provided, multiple submitters, no conflicts (2 of 4 stars). 2 submissions from 2 submitters: Benign (1); Likely benign (1). Last evaluated 2025-01-07.

Conditions:
Hereditary cancer-predisposing syndrome. Also called: Tumor predisposition; Hereditary Cancer Syndrome; Hereditary neoplastic syndrome; Neoplastic Syndromes, Hereditary. Identifiers: Orphanet 140162, MedGen C0027672, MeSH D009386, MONDO:0015356.
Lynch syndrome 5 (LYNCH5). Also called: Hereditary non-polyposis colorectal cancer, type 5; Colorectal cancer, hereditary nonpolyposis, type 5. Identifiers: Orphanet 144, MedGen C1833477, MONDO:0013710, OMIM 614350. Disease mechanism: loss of function.

Submissions (2):

Myriad Genetics, Inc.
Classification: Benign for Lynch syndrome 5. Last evaluated: 2025-01-07. Review status: criteria provided, single submitter. Criteria: Myriad Autosomal Dominant, Autosomal Recessive and X-Linked Classification Criteria (2023). Collection method: clinical testing. Allele origin: unknown.
Comment: This variant is considered benign. This variant is a silent/synonymous amino acid change and it is not expected to impact splicing.

Ambry Genetics
Classification: Likely benign for Hereditary cancer-predisposing syndrome. Last evaluated: 2017-03-10. Review status: criteria provided, single submitter. Criteria: Ambry Variant Classification Scheme 2023. Collection method: clinical testing. Allele origin: germline.